The following is an entry in ClinVar:

ClinVar aggregate classification (germline): Uncertain significance. Review status: criteria provided, multiple submitters, no conflicts (2 of 4 stars). 4 submissions from 4 submitters: Uncertain significance (4). Last evaluated 2025-08-02.

Conditions:
Inborn genetic diseases. Identifiers: MedGen C0950123, MeSH D030342.
Osteoporosis with pseudoglioma (OPPG). Also called: osteoporosis-pseudoglioma syndrome. Identifiers: Orphanet 2788, MedGen C0432252, MONDO:0009820, OMIM 259770.
Bone mineral density quantitative trait locus 1 (BMND1). Identifiers: MedGen C1866079, OMIM 601884.
Exudative vitreoretinopathy 4 (EVR4). Identifiers: Orphanet 891, MedGen C1866176, MONDO:0011151, OMIM 601813.
Osteoporosis. Identifiers: MedGen C0029456, MONDO:0005298, OMIM 166710, HP:0000939.
Worth disease. Also called: Autosomal dominant osteosclerosis, Worth type; OSTEOSCLEROSIS, AUTOSOMAL DOMINANT; ENDOSTEAL HYPEROSTOSIS, AUTOSOMAL DOMINANT. Identifiers: Orphanet 2790, MedGen C0432273, MONDO:0007764, OMIM 144750.
Polycystic liver disease 4 with or without kidney cysts. Identifiers: MedGen C4693479, MONDO:0044327, OMIM 617875.
Exudative vitreoretinopathy 1 (EVR1). Also called: CRISWICK-SCHEPENS SYNDROME; FEVR, AUTOSOMAL DOMINANT; Familial exudative vitreoretinopathy, autosomal dominant. Identifiers: Orphanet 891, Orphanet 90050, MedGen C1851402, MONDO:0007589, OMIM 133780.
Autosomal dominant osteopetrosis 1 (OPTA1). Also called: OSTEOPETROSIS, AUTOSOMAL DOMINANT, TYPE I. Identifiers: Orphanet 2783, MedGen C1843330, MONDO:0011877, OMIM 607634.

Allele frequency attached by ClinVar (database versions not stated): gnomAD exomes 0.00002; TOPMed 0.00002; ExAC 0.00001.
gnomAD v4.1: 31 of 1,613,350 alleles (0.0019%); highest among the groups gnomAD compares: Non-Finnish European, 0.0026%; no homozygotes.

Submissions (4):

Ambry Genetics
Classification: Uncertain significance for Inborn genetic diseases. Last evaluated: 2025-08-02. Review status: criteria provided, single submitter. Criteria: Ambry Variant Classification Scheme 2023. Collection method: clinical testing. Allele origin: germline.

Labcorp Genetics (formerly Invitae), Labcorp
Classification: Uncertain significance. Last evaluated: 2024-09-17. Review status: criteria provided, single submitter. Criteria: Invitae Variant Classification Sherloc (09022015). Collection method: clinical testing. Allele origin: germline.
Comment: This sequence change replaces glycine, which is neutral and non-polar, with serine, which is neutral and polar, at codon 773 of the LRP5 protein (p.Gly773Ser). This variant is present in population databases (rs775353605, gnomAD 0.0009%). This variant has not been reported in the literature in individuals affected with LRP5-related conditions. ClinVar contains an entry for this variant (Variation ID: 283075). An algorithm developed to predict the effect of missense changes on protein structure and function (PolyPhen-2) suggests that this variant is likely to be disruptive. In summary, the available evidence is currently insufficient to determine the role of this variant in disease. Therefore, it has been classified as a Variant of Uncertain Significance.

Fulgent Genetics
Classification: Uncertain significance for Exudative vitreoretinopathy 1; Worth disease; Osteoporosis; Osteoporosis with pseudoglioma; Exudative vitreoretinopathy 4; Bone mineral density quantitative trait locus 1; Autosomal dominant osteopetrosis 1; Polycystic liver disease 4 with or without kidney cysts. Last evaluated: 2021-11-08. Review status: criteria provided, single submitter. Criteria: ACMG Guidelines, 2015. Collection method: clinical testing. Allele origin: unknown.

Eurofins Ntd Llc (ga)
Classification: Uncertain significance. Last evaluated: 2015-09-04. Review status: criteria provided, single submitter. Criteria: EGL Classification Definitions 2015. Collection method: clinical testing. Allele origin: germline. Observed: 1 variant allele, 1 heterozygote.

NM_002335.4(LRP5):c.2317G>A (p.Gly773Ser)

Gene: LRP5 (LDL receptor related protein 5; plus strand). Cytogenetic location: 11q13.2.
Variant type: single nucleotide variant.
Coding change: c.2317G>A on transcript NM_002335.4 (MANE Select); coding-DNA position 2317, G replaced by A.
Protein change: p.Gly773Ser; replaces glycine 773 with serine.
Molecular consequence: missense variant.
Genome position (GRCh38, 1-based): chr11:68,410,139, G>A. VCF-style: chr11-68410139-G-A. GRCh37 (hg19) VCF-style: chr11-68177607-G-A.
Other names: c.2317G>A (NM_002335.2); c.574G>A, p.Gly192Ser (NM_001291902.2); short protein forms G773S, G192S.
Identifiers: ClinVar variation 283075 (VCV000283075.16), dbSNP rs775353605, ClinGen allele CA6149578.
Genomic context (GRCh38, chr11:68,410,139, plus strand): 5'-CAAGTCCTCGTGTGGAGGGACTTGGACAACCCGAGGTCGCTGGCCCTGGATCCCACCAAG[G>A]GGTAAGTGTTTGCCTGTCCCGTGCGTCCTTGTGTTCACCTCGTATGAGACAGTGCGGGGG-3'
Protein context (NP_002326.2, residues 763-783): PRSLALDPTK[Gly773Ser]YIYWTEWGGK